The following is an entry in ClinVar:

NM_000965.5(RARB):c.269G>A (p.Gly90Glu)

Gene: RARB (retinoic acid receptor beta; plus strand). Cytogenetic location: 3p24.2.
Variant type: single nucleotide variant.
Coding change: c.269G>A on transcript NM_000965.5 (MANE Select); coding-DNA position 269, G replaced by A.
Protein change: p.Gly90Glu; replaces glycine 90 with glutamic acid.
Molecular consequence: missense variant. On other transcripts: 5 prime UTR variant (3), non-coding transcript variant (2).
Genome position (GRCh38, 1-based): chr3:25,461,304, G>A. VCF-style: chr3-25461304-G-A. GRCh37 (hg19) VCF-style: chr3-25502795-G-A.
Other names: c.290G>A, p.Gly97Glu (NM_001290216.3); c.-68G>A (NM_001290217.2, NM_001290276.2, NM_016152.4); c.122G>A, p.Gly41Glu (NM_001290266.2); c.269G>A, p.Gly90Glu (NM_001290277.1); c.140G>A, p.Gly47Glu (NM_001290300.2); short protein forms G41E, G47E, G90E, G97E.
Identifiers: ClinVar variation 2576909 (VCV002576909.1), dbSNP rs2529292755, ClinGen allele CA351956649.
Genomic context (GRCh38, chr3:25,461,304, plus strand): 5'-CTCCACTTCCTCCCCCTCGAGTGTACAAACCCTGCTTCGTCTGCCAGGACAAATCATCAG[G>A]GTACCACTATGGGGTCAGCGCCTGTGAGGGATGTAAGGTGAGTATTCACACTTCTGTGCC-3'
Protein context (NP_000956.2, residues 80-100): PCFVCQDKSS[Gly90Glu]YHYGVSACEG

ClinVar aggregate classification (germline): Uncertain significance (1 of 4 stars; one submission).

Submission:

GeneDx
Classification: Uncertain significance. Last evaluated: 2023-02-20. Review status: criteria provided, single submitter. Criteria: GeneDx Variant Classification Process June 2021. Collection method: clinical testing. Allele origin: germline. Affected: yes.
Comment: Not observed at significant frequency in large population cohorts (gnomAD); In silico analysis supports that this missense variant has a deleterious effect on protein structure/function; Has not been previously published as pathogenic or benign to our knowledge